The following is an entry in ClinVar:

ClinVar aggregate classification (germline): Uncertain significance (1 of 4 stars; one submission).

Allele frequency attached by ClinVar (database versions not stated): gnomAD 0.00001.
gnomAD v4.1: 1 of 1,614,042 alleles (0.000062%); no homozygotes.

Submission:

Labcorp Genetics (formerly Invitae), Labcorp
Classification: Uncertain significance. Last evaluated: 2023-10-03. Review status: criteria provided, single submitter. Criteria: Invitae Variant Classification Sherloc (09022015). Collection method: clinical testing. Allele origin: germline.
Comment: This sequence change falls in intron 3 of the VAV1 gene. It does not directly change the encoded amino acid sequence of the VAV1 protein. It affects a nucleotide within the consensus splice site. This variant is not present in population databases (gnomAD no frequency). This variant has not been reported in the literature in individuals affected with VAV1-related conditions. ClinVar contains an entry for this variant (Variation ID: 1439391). Variants that disrupt the consensus splice site are a relatively common cause of aberrant splicing (PMID: 17576681, 9536098). Algorithms developed to predict the effect of sequence changes on RNA splicing suggest that this variant is not likely to affect RNA splicing. In summary, the available evidence is currently insufficient to determine the role of this variant in disease. Therefore, it has been classified as a Variant of Uncertain Significance.

Literature cited by the submitters: PubMed 17576681; PubMed 9536098.

NM_005428.4(VAV1):c.380+3G>A

Gene: VAV1 (vav guanine nucleotide exchange factor 1; plus strand). Cytogenetic location: 19p13.3.
Variant type: single nucleotide variant.
Coding change: c.380+3G>A on transcript NM_005428.4 (MANE Select); 3 bases into the intron after coding-DNA position 380, G replaced by A.
Molecular consequence: intron variant.
Genome position (GRCh38, 1-based): chr19:6,821,683, G>A. VCF-style: chr19-6821683-G-A. GRCh37 (hg19) VCF-style: chr19-6821694-G-A.
Other names: c.380+3G>A (NM_001258206.2, NM_001258207.2).
Identifiers: ClinVar variation 1439391 (VCV001439391.6), dbSNP rs1971788408, ClinGen allele CA993080175.